The following is an entry in ClinVar:

ClinVar aggregate classification (germline): Likely pathogenic (1 of 4 stars; one submission).

Conditions:
Rhizomelic chondrodysplasia punctata type 1 (RCDP1). Also called: PEROXISOME BIOGENESIS DISORDER 9; CHONDRODYSTROPHIA CALCIFICANS PUNCTATA; PEX7-Related Rhizomelic Chondrodysplasia Punctata. Identifiers: Orphanet 177, Orphanet 309789, MedGen C1859133, MONDO:0008972, OMIM 215100. Disease mechanism: loss of function.

Submission:

Myriad Genetics, Inc.
Classification: Likely pathogenic for Rhizomelic chondrodysplasia punctata type 1. Last evaluated: 2022-05-18. Review status: criteria provided, single submitter. Criteria: Myriad Women's Health Autosomal Recessive and X-Linked Classification Criteria (2021). Collection method: clinical testing. Allele origin: unknown.
Comment: NM_000288.3(PEX7):c.638dupT(L213Ffs*8) is expected to be pathogenic in the context of rhizomelic chondrodysplasia punctata type 1. This variant is predicted to lead to an abnormal or absent protein product due to the creation of a premature termination codon in PEX7, a gene where loss-of-function variants are known to be pathogenic. Please note: this variant was assessed in the context of healthy population screening.

NM_000288.4(PEX7):c.638dup (p.Leu213fs)

Gene: PEX7 (peroxisomal biogenesis factor 7; plus strand). Cytogenetic location: 6q23.3.
Variant type: Duplication.
Coding change: c.638dup on transcript NM_000288.4 (MANE Select); coding-DNA position 638, one base duplicated (T; older notation c.638dupT).
Protein change: p.Leu213fs; shifts the reading frame from leucine 213.
Molecular consequence: frameshift variant.
Genome position (GRCh38, 1-based): chr6:136,869,894, T duplicated; the last of 3 consecutive T bases (chr6:136,869,892-136,869,894); duplicating any one gives the same sequence. VCF-style (leftmost placement, unchanged base first): chr6-136869891-A-AT. GRCh37 (hg19) VCF-style: chr6-137191029-A-AT.
Other names: c.524dup, p.Leu175Phefs (NM_001410945.1); short protein forms L213fs.
Identifiers: ClinVar variation 1726163 (VCV001726163.2), dbSNP rs2548095308, ClinGen allele CA2580075138.